The following is an entry in ClinVar:

NM_001199138.2(NLRC4):c.2323A>G (p.Met775Val)

Gene: NLRC4 (NLR family CARD domain containing 4; minus strand). Cytogenetic location: 2p22.3.
Variant type: single nucleotide variant.
Coding change: c.2323A>G on transcript NM_001199138.2 (MANE Select); coding-DNA position 2323, A replaced by G.
Protein change: p.Met775Val; replaces methionine 775 with valine.
Molecular consequence: missense variant.
Genome position (GRCh38, 1-based): chr2:32,241,060, T>C on the plus strand (A>G on the coding strand, the complement: NLRC4 is on the minus strand). VCF-style: chr2-32241060-T-C. GRCh37 (hg19) VCF-style: chr2-32466129-T-C.
Other names: c.2323A>G, p.Met775Val (NM_001199139.2, NM_021209.5); c.328A>G, p.Met110Val (NM_001302504.2); short protein forms M110V, M775V.
Identifiers: ClinVar variation 3757485 (VCV003757485.2).
Genomic context (GRCh38, chr2:32,241,060, plus strand): 5'-ACATTGATACAAATATGAGAACAGAAATCTGACCTAGTTTTATAGCATCTTCTTCATTCA[T>C]CTTTATGTTATCCATTATGAGCTTTGTAAGGTTCTTCAAGTTACCCAAGCTGTCAGTCAG-3'
Protein context (NP_001186067.1, residues 765-785): LTKLIMDNIK[Met775Val]NEEDAIKLAE

ClinVar aggregate classification (germline): Uncertain significance (1 of 4 stars; one submission).

Conditions:
Periodic fever-infantile enterocolitis-autoinflammatory syndrome. Also called: Autoinflammation with infantile enterocolitis. Identifiers: Orphanet 436166, MedGen C4015067, MONDO:0014472, OMIM 616050.
Familial cold autoinflammatory syndrome 4 (FCAS4). Identifiers: Orphanet 47045, Orphanet 576349, MedGen C4015276, MONDO:0014498, OMIM 616115.

Submission:

Labcorp Genetics (formerly Invitae), Labcorp
Classification: Uncertain significance for Periodic fever-infantile enterocolitis-autoinflammatory syndrome; Familial cold autoinflammatory syndrome 4. Last evaluated: 2024-07-31. Review status: criteria provided, single submitter. Criteria: Invitae Variant Classification Sherloc (09022015). Collection method: clinical testing. Allele origin: germline.
Comment: This sequence change replaces methionine, which is neutral and non-polar, with valine, which is neutral and non-polar, at codon 775 of the NLRC4 protein (p.Met775Val). This variant is not present in population databases (gnomAD no frequency). This variant has not been reported in the literature in individuals affected with NLRC4-related conditions. Advanced modeling of protein sequence and biophysical properties (such as structural, functional, and spatial information, amino acid conservation, physicochemical variation, residue mobility, and thermodynamic stability) has been performed at Invitae for this missense variant, however the output from this modeling did not meet the statistical confidence thresholds required to predict the impact of this variant on NLRC4 protein function. Algorithms developed to predict the effect of sequence changes on RNA splicing suggest that this variant may disrupt the consensus splice site. In summary, the available evidence is currently insufficient to determine the role of this variant in disease. Therefore, it has been classified as a Variant of Uncertain Significance.